The following is an entry in ClinVar:

ClinVar aggregate classification (germline): Conflicting classifications of pathogenicity. Review status: criteria provided, conflicting classifications (1 of 4 stars). 2 submissions from 2 submitters: Likely pathogenic (1); Uncertain significance (1). Last evaluated 2025-07-13.

Submissions (2):

Labcorp Genetics (formerly Invitae), Labcorp
Classification: Likely pathogenic. Last evaluated: 2025-07-13. Review status: criteria provided, single submitter. Criteria: Invitae Variant Classification Sherloc (09022015). Collection method: clinical testing. Allele origin: germline.
Comment: This sequence change replaces leucine, which is neutral and non-polar, with proline, which is neutral and non-polar, at codon 197 of the SERPING1 protein (p.Leu197Pro). This variant is not present in population databases (gnomAD no frequency). This missense change has been observed in individuals with hereditary angioedema (PMID: 31517426). Invitae Evidence Modeling of protein sequence and biophysical properties (such as structural, functional, and spatial information, amino acid conservation, physicochemical variation, residue mobility, and thermodynamic stability) indicates that this missense variant is expected to disrupt SERPING1 protein function with a positive predictive value of 95%. This variant disrupts the p.Leu197 amino acid residue in SERPING1. Other variant(s) that disrupt this residue have been observed in individuals with SERPING1-related conditions (PMID: 31517426), which suggests that this may be a clinically significant amino acid residue. In summary, the currently available evidence indicates that the variant is pathogenic, but additional data are needed to prove that conclusively. Therefore, this variant has been classified as Likely Pathogenic.

GeneDx
Classification: Uncertain significance. Last evaluated: 2025-04-27. Review status: criteria provided, single submitter. Criteria: GeneDx Variant Classification Process June 2021. Collection method: clinical testing. Allele origin: germline. Affected: yes.
Comment: Reported in the published literature in association with hereditary angioedema and segregates with with disease in several members of one family (PMID: 31517426, Steven Xie et al., 2024); Not observed at significant frequency in large population cohorts (gnomAD); In silico analysis supports that this missense variant has a deleterious effect on protein structure/function; This variant is associated with the following publications: (PMID: 31517426, Xie2024[Preprint])

Literature cited by the submitters: PubMed 31517426 (cited by Labcorp Genetics (formerly Invitae), Labcorp).

NM_000062.3(SERPING1):c.590T>C (p.Leu197Pro)

Gene: SERPING1 (serpin family G member 1; plus strand). Cytogenetic location: 11q12.1.
Variant type: single nucleotide variant.
Coding change: c.590T>C on transcript NM_000062.3 (MANE Select); coding-DNA position 590, T replaced by C.
Protein change: p.Leu197Pro; replaces leucine 197 with proline.
Molecular consequence: missense variant.
Genome position (GRCh38, 1-based): chr11:57,602,074, T>C. VCF-style: chr11-57602074-T-C. GRCh37 (hg19) VCF-style: chr11-57369547-T-C.
Other names: c.590T>C, p.Leu197Pro (NM_001032295.2); short protein forms L197P.
Identifiers: ClinVar variation 4526970 (VCV004526970.2).
Genomic context (GRCh38, chr11:57,602,074, plus strand): 5'-CATCTCTGCCCTTTGTTGCAGGGGCTGGGGAGAACACCAAAACAAACCTGGAGAGCATCC[T>C]CTCTTACCCCAAGGACTTCACCTGTGTCCACCAGGCCCTGAAGGGCTTCACGACCAAAGG-3'
Protein context (NP_000053.2, residues 187-207): ENTKTNLESI[Leu197Pro]SYPKDFTCVH